The following is an entry in ClinVar:

ClinVar aggregate classification (germline): Uncertain significance. Review status: criteria provided, multiple submitters, no conflicts (2 of 4 stars). 3 submissions from 3 submitters: Uncertain significance (3). Last evaluated 2025-08-08.

Conditions:
Inborn genetic diseases. Identifiers: MedGen C0950123, MeSH D030342.

Allele frequency attached by ClinVar (database versions not stated): gnomAD exomes 0.00002; gnomAD 0.00004; TOPMed 0.00005.
gnomAD v4.1: 34 of 1,466,540 alleles (0.0023%); highest among the groups gnomAD compares: Non-Finnish European, 0.003%; no homozygotes.

Submissions (3):

Ambry Genetics
Classification: Uncertain significance for Inborn genetic diseases. Last evaluated: 2025-08-08. Review status: criteria provided, single submitter. Criteria: Ambry Variant Classification Scheme 2023. Collection method: clinical testing. Allele origin: germline.

GeneDx
Classification: Uncertain significance. Last evaluated: 2022-06-13. Review status: criteria provided, single submitter. Criteria: GeneDx Variant Classification Process June 2021. Collection method: clinical testing. Allele origin: germline. Affected: yes.
Comment: Not observed at significant frequency in large population cohorts (gnomAD); In silico analysis supports that this missense variant does not alter protein structure/function; Has not been previously published as pathogenic or benign to our knowledge

Labcorp Genetics (formerly Invitae), Labcorp
Classification: Uncertain significance. Last evaluated: 2021-08-31. Review status: criteria provided, single submitter. Criteria: Invitae Variant Classification Sherloc (09022015). Collection method: clinical testing. Allele origin: germline.
Comment: This sequence change replaces leucine with isoleucine at codon 853 of the MYO15A protein (p.Leu853Ile). The leucine residue is highly conserved and there is a small physicochemical difference between leucine and isoleucine. The frequency data for this variant in the population databases is considered unreliable, as metrics indicate insufficient coverage at this position in the ExAC database. This variant has not been reported in the literature in individuals affected with MYO15A-related conditions. Advanced modeling of protein sequence and biophysical properties (such as structural, functional, and spatial information, amino acid conservation, physicochemical variation, residue mobility, and thermodynamic stability) performed at Invitae indicates that this missense variant is not expected to disrupt MYO15A protein function. In summary, the available evidence is currently insufficient to determine the role of this variant in disease. Therefore, it has been classified as a Variant of Uncertain Significance.

NM_016239.4(MYO15A):c.2557C>A (p.Leu853Ile)

Gene: MYO15A (myosin XVA; plus strand). Cytogenetic location: 17p11.2.
Variant type: single nucleotide variant.
Coding change: c.2557C>A on transcript NM_016239.4 (MANE Select); coding-DNA position 2557, C replaced by A.
Protein change: p.Leu853Ile; replaces leucine 853 with isoleucine.
Molecular consequence: missense variant.
Genome position (GRCh38, 1-based): chr17:18,121,357, C>A. VCF-style: chr17-18121357-C-A. GRCh37 (hg19) VCF-style: chr17-18024671-C-A.
Other names: short protein forms L853I.
Identifiers: ClinVar variation 1441652 (VCV001441652.11), dbSNP rs930912569, ClinGen allele CA288389016.